The following is an entry in ClinVar:

ClinVar aggregate classification (germline): Uncertain significance. Review status: criteria provided, single submitter (1 of 4 stars). 2 submissions from 2 submitters: Uncertain significance (1). 1 of the submissions does not count toward it. Last evaluated 2021-08-20.

Conditions:
Cystic fibrosis (CF). Also called: MUCOVISCIDOSIS. Identifiers: Orphanet 586, MedGen C0010674, MONDO:0009061, OMIM 219700. Disease mechanism: loss of function.
CFTR-related disorder (CFTR-RD). Also called: CFTR-related disorders; CFTR-related condition. Identifiers: MedGen C5924204, MONDO:7770004.

Submissions (2):

Labcorp Genetics (formerly Invitae), Labcorp
Classification: Uncertain significance for Cystic fibrosis. Last evaluated: 2021-08-20. Review status: criteria provided, single submitter. Criteria: Invitae Variant Classification Sherloc (09022015). Collection method: clinical testing. Allele origin: germline.
Comment: This sequence change replaces threonine with serine at codon 1053 of the CFTR protein (p.Thr1053Ser). The threonine residue is moderately conserved and there is a small physicochemical difference between threonine and serine. This variant is not present in population databases (ExAC no frequency). This variant has not been reported in the literature in individuals affected with CFTR-related conditions. Algorithms developed to predict the effect of missense changes on protein structure and function (SIFT, PolyPhen-2, Align-GVGD) all suggest that this variant is likely to be tolerated. In summary, the available evidence is currently insufficient to determine the role of this variant in disease. Therefore, it has been classified as a Variant of Uncertain Significance.

Natera, Inc.
Classification: Uncertain significance for CFTR-related disorders. Last evaluated: 2019-06-11. Review status: no assertion criteria provided. Collection method: clinical testing. Allele origin: germline. Not counted in ClinVar's aggregate classification.

NM_000492.4(CFTR):c.3157A>T (p.Thr1053Ser)

Genes: CFTR (CF transmembrane conductance regulator; plus strand), CFTR-AS2 (CFTR antisense RNA 2; minus strand), LOC111674472 (DNase I hypersensitive sites in introns 16 and 17a of CFTR; plus strand). Cytogenetic location: 7q31.2.
Variant type: single nucleotide variant.
Coding change: c.3157A>T on transcript NM_000492.4 (MANE Select); coding-DNA position 3157, A replaced by T.
Protein change: p.Thr1053Ser; replaces threonine 1053 with serine.
Molecular consequence: missense variant.
Genome position (GRCh38, 1-based): chr7:117,611,598, A>T. VCF-style: chr7-117611598-A-T. GRCh37 (hg19) VCF-style: chr7-117251652-A-T.
Other names: short protein forms T1053S.
Identifiers: ClinVar variation 1038310 (VCV001038310.7), dbSNP rs1792386620, ClinGen allele CA368991838.